The following is an entry in ClinVar:

ClinVar aggregate classification (germline): Uncertain significance (1 of 4 stars; one submission).

Submission:

Women's Health and Genetics/Laboratory Corporation of America, LabCorp
Classification: Uncertain significance. Last evaluated: 2026-06-16. Review status: criteria provided, single submitter. Criteria: LabCorp Variant Classification Summary - May 2015. Collection method: clinical testing. Allele origin: germline.
Comment: Variant summary: VAPB c.181A>G (p.Ile61Val) results in a conservative amino acid change in the encoded protein sequence. Algorithms developed to predict the effect of missense changes on protein structure and function are either unavailable or do not agree on the potential impact of this missense change. The variant was absent in 251422 control chromosomes. The available data on variant occurrences in the general population are insufficient to allow any conclusion about variant significance. To our knowledge, no occurrence of c.181A>G in individuals affected with VAPB-related conditions and no experimental evidence demonstrating its impact on protein function have been reported. No submitters have cited clinical-significance assessments for this variant to ClinVar. Based on the evidence outlined above, the variant was classified as uncertain significance.

NM_004738.5(VAPB):c.181A>G (p.Ile61Val)

Gene: VAPB (VAMP associated protein B and C; plus strand). Cytogenetic location: 20q13.32.
Variant type: single nucleotide variant.
Coding change: c.181A>G on transcript NM_004738.5 (MANE Select); coding-DNA position 181, A replaced by G.
Protein change: p.Ile61Val; replaces isoleucine 61 with valine.
Molecular consequence: missense variant. On other transcripts: non-coding transcript variant (1).
Genome position (GRCh38, 1-based): chr20:58,418,333, A>G. VCF-style: chr20-58418333-A-G. GRCh37 (hg19) VCF-style: chr20-56993389-A-G.
Other names: c.181A>G, p.Ile61Val (NM_001195677.2); short protein forms I61V.
Identifiers: ClinVar variation 4887216 (VCV004887216.1).